The following is an entry in ClinVar:

NM_030962.4(SBF2):c.1412A>T (p.His471Leu)

Gene: SBF2 (SET binding factor 2; minus strand). Cytogenetic location: 11p15.4.
Variant type: single nucleotide variant.
Coding change: c.1412A>T on transcript NM_030962.4 (MANE Select); coding-DNA position 1412, A replaced by T.
Protein change: p.His471Leu; replaces histidine 471 with leucine.
Molecular consequence: missense variant.
Genome position (GRCh38, 1-based): chr11:9,968,529, T>A on the plus strand (A>T on the coding strand, the complement: SBF2 is on the minus strand). VCF-style: chr11-9968529-T-A. GRCh37 (hg19) VCF-style: chr11-9990076-T-A.
Other names: c.1412A>T, p.His471Leu (NM_001386339.1); c.1283A>T, p.His428Leu (NM_001386342.1); short protein forms H471L, H428L.
Identifiers: ClinVar variation 1446211 (VCV001446211.3), dbSNP rs763176916, ClinGen allele CA379630674.

ClinVar aggregate classification (germline): Uncertain significance (1 of 4 stars; one submission).

Conditions:
Charcot-Marie-Tooth disease type 4. Also called: Charcot-Marie-Tooth disease, type IV; Charcot-Marie-Tooth, Type 4. Identifiers: Orphanet 64749, MedGen C4082197, MONDO:0018995.

Submission:

Labcorp Genetics (formerly Invitae), Labcorp
Classification: Uncertain significance for Charcot-Marie-Tooth disease type 4. Last evaluated: 2021-09-21. Review status: criteria provided, single submitter. Criteria: Invitae Variant Classification Sherloc (09022015). Collection method: clinical testing. Allele origin: germline.
Comment: This sequence change replaces histidine with leucine at codon 471 of the SBF2 protein (p.His471Leu). The histidine residue is highly conserved and there is a moderate physicochemical difference between histidine and leucine. This variant is not present in population databases (ExAC no frequency). This variant has not been reported in the literature in individuals affected with SBF2-related conditions. Algorithms developed to predict the effect of missense changes on protein structure and function are either unavailable or do not agree on the potential impact of this missense change (SIFT: "Deleterious"; PolyPhen-2: "Benign"; Align-GVGD: "Class C0"). In summary, the available evidence is currently insufficient to determine the role of this variant in disease. Therefore, it has been classified as a Variant of Uncertain Significance.